The following is an entry in ClinVar:

NM_000419.5(ITGA2B):c.470C>A (p.Pro157His)

Gene: ITGA2B (integrin subunit alpha 2b; minus strand). Cytogenetic location: 17q21.31.
Variant type: single nucleotide variant.
Coding change: c.470C>A on transcript NM_000419.5 (MANE Select); coding-DNA position 470, C replaced by A.
Protein change: p.Pro157His; replaces proline 157 with histidine.
Molecular consequence: missense variant.
Genome position (GRCh38, 1-based): chr17:44,385,655, G>T on the plus strand (C>A on the coding strand, the complement: ITGA2B is on the minus strand). VCF-style: chr17-44385655-G-T. GRCh37 (hg19) VCF-style: chr17-42463023-G-T.
Other names: NM_000419.5:c.470C>A; short protein forms P157H.
Identifiers: ClinVar variation 2498354 (VCV002498354.2), dbSNP rs2510084880, ClinGen allele CA399805912.

ClinVar aggregate classification (germline): Pathogenic (3 of 4 stars; one submission).

Conditions:
Glanzmann thrombasthenia. Also called: BLEEDING DISORDER, PLATELET-TYPE, 2; THROMBASTHENIA OF GLANZMANN AND NAEGELI; Thrombasthenia; PLATELET GLYCOPROTEIN IIb-IIIa DEFICIENCY; Glanzmann's thrombasthenia. Identifiers: Orphanet 849, MedGen C0040015, MONDO:0100326.

Submission:

ClinGen Platelet Disorders Variant Curation Expert Panel, ClinGen
Classification: Pathogenic for Glanzmann thrombasthenia. Last evaluated: 2023-02-02. Review status: reviewed by expert panel. Criteria: ClinGen Platelet ACMG Specifications v2-1. Collection method: curation. Allele origin: germline. Inheritance: Autosomal recessive inheritance.
Comment: The NM_000419.5:c.470C>A variant in ITGA2B is a missense variant predicted to cause substitution of Proline by Histidine at amino acid 157 (p.Pro157His). At least one patient (Patient 1 in PMID: 18976939) with this variant displayed mucocutaneous bleeding and impaired aggregation with all agonists except ristocetin, which is highly specific for Glanzmann thrombasthenia. Additionally, αIIbβ3 surface expression was reduced to 0%, as measured by flow cytometry and Western blot. ITGA2B and ITGB3 were sequenced across all exons and intron/exon boundaries (PP4_Strong). Surface expression of αIIbβ3 measured by flow cytometry in CHO cells transiently co-transfected with the NM_000419.5:c.470C>A (p.Pro157His) variant αIIb and wild type αIIb showed decreased expression at 0% of WT levels, indicating that this variant impacts protein function (PMID: 18976939)(PS3). The computational predictor REVEL gives a score of 0.782, which is above the ClinGen PD VCEP threshold of >0.7 and predicts a damaging effect on function (PP3). This variant has been detected in at least 1 probands with Glanzmann thrombasthenia. This individual was homozygous for the variant (PMID: 18976939, 0.5 PM3 points) Total points: 0.5 (PM3_Supporting). This variant is absent from gnomAD v2.1.1 (PM2_Supporting). In summary, this variant meets the criteria to be classified as Pathogenic for autosomal recessive Glanzmann Thrombasthenia based on the ACMG/AMP criteria applied, as specified by the ClinGen PD VCEP: PP4_Strong, PS3, PP3, PM2_Supporting and PM3_Supporting (VCEP specifications version 2).

Literature cited by the submitters: PubMed 18976939.